The following is an entry in ClinVar:

ClinVar aggregate classification (germline): Likely pathogenic. Review status: criteria provided, multiple submitters, no conflicts (2 of 4 stars). 2 submissions from 2 submitters: Likely pathogenic (2). Last evaluated 2024-10-24.

Conditions:
Multiple acyl-CoA dehydrogenase deficiency (MADD). Also called: Glutaric Acidemia type 2; ETHYLMALONIC-ADIPICACIDURIA; GA II; Glutaric acidemia type II; GA 2; Glutaric aciduria, type 2. Identifiers: Orphanet 26791, MedGen C0268596, MONDO:0009282, OMIM 231680.

Allele frequency attached by ClinVar (database versions not stated): gnomAD exomes below 0.00001.
gnomAD v4.1: 1 of 1,613,230 alleles (0.000062%); highest among the groups gnomAD compares: Non-Finnish European, 0.000085%; no homozygotes.

Submissions (2):

Labcorp Genetics (formerly Invitae), Labcorp
Classification: Likely pathogenic for Multiple acyl-CoA dehydrogenase deficiency. Last evaluated: 2024-10-24. Review status: criteria provided, single submitter. Criteria: Invitae Variant Classification Sherloc (09022015). Collection method: clinical testing. Allele origin: germline.
Comment: This sequence change affects a donor splice site in intron 2 of the ETFA gene. It is expected to disrupt RNA splicing. Variants that disrupt the donor or acceptor splice site typically lead to a loss of protein function (PMID: 16199547), and loss-of-function variants in ETFA are known to be pathogenic (PMID: 16510302, 23785301). This variant is not present in population databases (gnomAD no frequency). This variant has not been reported in the literature in individuals affected with ETFA-related conditions. ClinVar contains an entry for this variant (Variation ID: 1522693). Algorithms developed to predict the effect of sequence changes on RNA splicing suggest that this variant may disrupt the consensus splice site. In summary, the currently available evidence indicates that the variant is pathogenic, but additional data are needed to prove that conclusively. Therefore, this variant has been classified as Likely Pathogenic.

MGZ Medical Genetics Center
Classification: Likely pathogenic for Multiple acyl-CoA dehydrogenase deficiency. Last evaluated: 2022-07-15. Review status: criteria provided, single submitter. Criteria: ACMG Guidelines, 2015. Collection method: clinical testing. Allele origin: germline. Affected: yes. Observed: 1 variant allele.
Comment: ACMG criteria applied: PVS1, PM2_SUP

Literature cited by the submitters: PubMed 16199547 (cited by Labcorp Genetics (formerly Invitae), Labcorp); PubMed 16510302 (cited by Labcorp Genetics (formerly Invitae), Labcorp); PubMed 23785301 (cited by Labcorp Genetics (formerly Invitae), Labcorp).

NM_000126.4(ETFA):c.186+1G>A

Gene: ETFA (electron transfer flavoprotein subunit alpha; minus strand). Cytogenetic location: 15q24.2.
Variant type: single nucleotide variant.
Coding change: c.186+1G>A on transcript NM_000126.4 (MANE Select); the canonical splice donor site of the intron after coding-DNA position 186, G replaced by A.
Molecular consequence: splice donor variant. On other transcripts: intron variant (1).
Genome position (GRCh38, 1-based): chr15:76,295,590, C>T on the plus strand (G>A on the coding strand, the complement: ETFA is on the minus strand). VCF-style: chr15-76295590-C-T. GRCh37 (hg19) VCF-style: chr15-76587931-C-T.
Other names: c.40-2890G>A (NM_001127716.2).
Identifiers: ClinVar variation 1522693 (VCV001522693.8), dbSNP rs2141543695, ClinGen allele CA393517772.